The following is an entry in ClinVar:

ClinVar aggregate classification (germline): Pathogenic (1 of 4 stars; one submission).

Submission:

Labcorp Genetics (formerly Invitae), Labcorp
Classification: Pathogenic. Last evaluated: 2022-02-28. Review status: criteria provided, single submitter. Criteria: Invitae Variant Classification Sherloc (09022015). Collection method: clinical testing. Allele origin: germline.
Comment: For these reasons, this variant has been classified as Pathogenic. Algorithms developed to predict the effect of sequence changes on RNA splicing suggest that this variant may disrupt the consensus splice site. Disruption of this splice site has been observed in individual(s) with clinical features of Usher syndrome (Invitae). In at least one individual the data is consistent with being in trans (on the opposite chromosome) from a pathogenic variant. This variant is not present in population databases (gnomAD no frequency). This sequence change affects a donor splice site in intron 86 of the ADGRV1 gene. It is expected to disrupt RNA splicing. Variants that disrupt the donor or acceptor splice site typically lead to a loss of protein function (PMID: 16199547), and loss-of-function variants in ADGRV1 are known to be pathogenic (PMID: 19357117, 22135276, 22147658, 26226137, 26667666, 30029497, 32467589).

Literature cited by the submitters: PubMed 16199547; PubMed 19357117; PubMed 22135276; PubMed 22147658; PubMed 26226137; PubMed 26667666; PubMed 30029497; PubMed 32467589.

NM_032119.4(ADGRV1):c.18310+1G>A

Gene: ADGRV1 (adhesion G protein-coupled receptor V1; plus strand). Cytogenetic location: 5q14.3.
Variant type: single nucleotide variant.
Coding change: c.18310+1G>A on transcript NM_032119.4 (MANE Select); the canonical splice donor site of the intron after coding-DNA position 18310, G replaced by A.
Molecular consequence: splice donor variant.
Genome position (GRCh38, 1-based): chr5:91,072,605, G>A. VCF-style: chr5-91072605-G-A. GRCh37 (hg19) VCF-style: chr5-90368422-G-A.
Identifiers: ClinVar variation 1490189 (VCV001490189.6), dbSNP rs2151394960, ClinGen allele CA360431972.